The following is an entry in ClinVar:

NM_206933.4(USH2A):c.9712T>C (p.Ser3238Pro)

Gene: USH2A (usherin; minus strand). Cytogenetic location: 1q41.
Variant type: single nucleotide variant.
Coding change: c.9712T>C on transcript NM_206933.4 (MANE Select); coding-DNA position 9712, T replaced by C.
Protein change: p.Ser3238Pro; replaces serine 3238 with proline.
Molecular consequence: missense variant.
Genome position (GRCh38, 1-based): chr1:215,813,763, A>G on the plus strand (T>C on the coding strand, the complement: USH2A is on the minus strand). VCF-style: chr1-215813763-A-G. GRCh37 (hg19) VCF-style: chr1-215987105-A-G.
Other names: short protein forms S3238P.
Identifiers: ClinVar variation 4810402 (VCV004810402.1).

ClinVar aggregate classification (germline): Uncertain significance (1 of 4 stars; one submission).

Submission:

Labcorp Genetics (formerly Invitae), Labcorp
Classification: Uncertain significance. Last evaluated: 2025-08-19. Review status: criteria provided, single submitter. Criteria: Invitae Variant Classification Sherloc (09022015). Collection method: clinical testing. Allele origin: germline.
Comment: This sequence change replaces serine, which is neutral and polar, with proline, which is neutral and non-polar, at codon 3238 of the USH2A protein (p.Ser3238Pro). This variant is not present in population databases (gnomAD no frequency). This variant has not been reported in the literature in individuals affected with USH2A-related conditions. Invitae Evidence Modeling of protein sequence and biophysical properties (such as structural, functional, and spatial information, amino acid conservation, physicochemical variation, residue mobility, and thermodynamic stability) indicates that this missense variant is not expected to disrupt USH2A protein function with a negative predictive value of 95%. In summary, the available evidence is currently insufficient to determine the role of this variant in disease. Therefore, it has been classified as a Variant of Uncertain Significance.